The following is an entry in ClinVar:

ClinVar aggregate classification (germline): Benign/Likely benign. Review status: criteria provided, multiple submitters, no conflicts (2 of 4 stars). 3 submissions from 3 submitters: Benign (1); Likely benign (2). Last evaluated 2026-05-01.

Allele frequency attached by ClinVar (database versions not stated): gnomAD exomes 0.00006; ExAC 0.00021; gnomAD 0.00026; TOPMed 0.00029.
gnomAD v4.1: 136 of 1,613,880 alleles (0.0084%); highest among the groups gnomAD compares: Admixed American, 0.16%; 2 homozygotes.

Submissions (3):

CeGaT Center for Human Genetics Tuebingen
Classification: Likely benign. Last evaluated: 2026-05-01. Review status: criteria provided, single submitter. Criteria: CeGaT Center For Human Genetics Tuebingen Variant Classification Criteria Version 2. Collection method: clinical testing. Allele origin: germline. Affected: yes. Observed: 2 variant alleles.
Comment: PIEZO2: BP4, BP7

Labcorp Genetics (formerly Invitae), Labcorp
Classification: Benign. Last evaluated: 2025-04-11. Review status: criteria provided, single submitter. Criteria: Invitae Variant Classification Sherloc (09022015). Collection method: clinical testing. Allele origin: germline.

Blueprint Genetics
Classification: Likely benign. Last evaluated: 2023-01-24. Review status: criteria provided, single submitter. Criteria: ACMG Guidelines, 2015. Collection method: clinical testing. Allele origin: germline.

NM_001378183.1(PIEZO2):c.7317C>T (p.Ser2439=)

Gene: PIEZO2 (piezo type mechanosensitive ion channel component 2; minus strand). Cytogenetic location: 18p11.22.
Variant type: single nucleotide variant.
Coding change: c.7317C>T on transcript NM_001378183.1 (MANE Select); coding-DNA position 7317, C replaced by T.
Protein change: p.Ser2439=; no amino-acid change (serine 2439 retained).
Molecular consequence: synonymous variant.
Genome position (GRCh38, 1-based): chr18:10,691,257, G>A on the plus strand (C>T on the coding strand, the complement: PIEZO2 is on the minus strand). VCF-style: chr18-10691257-G-A. GRCh37 (hg19) VCF-style: chr18-10691255-G-A.
Other names: c.7053C>T, p.Ser2351= (NM_001410871.1); c.6978C>T, p.Ser2326= (NM_022068.4).
Identifiers: ClinVar variation 2166134 (VCV002166134.29), dbSNP rs754942478, ClinGen allele CA8892026.